The following is an entry in ClinVar:

ClinVar aggregate classification (germline): Likely benign (1 of 4 stars; one submission).

Conditions:
Pontoneocerebellar hypoplasia. Also called: Pontocerebellar hypoplasia; Non-syndromic pontocerebellar hypoplasia. Identifiers: Orphanet 98523, MedGen C1261175, MONDO:0020135.

Allele frequency attached by ClinVar (database versions not stated): 1000 Genomes Project 30x 0.00203; TOPMed 0.00003; 1000 Genomes Project 0.00240.

Submission:

Illumina Laboratory Services, Illumina
Classification: Likely benign for Pontoneocerebellar hypoplasia. Last evaluated: 2018-01-13. Review status: criteria provided, single submitter. Criteria: ICSL Variant Classification Criteria 13 December 2019. Collection method: clinical testing. Allele origin: germline.
Comment: This variant was observed in the ICSL laboratory as part of a predisposition screen in an ostensibly healthy population. It had not been previously curated by ICSL or reported in the Human Gene Mutation Database (HGMD: prior to June 1st, 2018), and was therefore a candidate for classification through an automated scoring system. Utilizing variant allele frequency, disease prevalence and penetrance estimates, and inheritance mode, an automated score was calculated to assess if this variant is too frequent to cause the disease. Based on the score and internal cut-off values, a variant classified as likely benign is not then subjected to further curation. The score for this variant resulted in a classification of likely benign for this disease.

NM_025265.4(TSEN2):c.-200C>T

Genes: TSEN2 (tRNA splicing endonuclease subunit 2; plus strand), LOC129936171 (ATAC-STARR-seq lymphoblastoid active region 19441; plus strand). Cytogenetic location: 3p25.2.
Variant type: single nucleotide variant.
Coding change: c.-200C>T on transcript NM_025265.4 (MANE Select); 200 bases upstream of the start codon, C replaced by T.
Molecular consequence: 5 prime UTR variant. On other transcripts: intron variant (5).
Genome position (GRCh38, 1-based): chr3:12,484,698, C>T. VCF-style: chr3-12484698-C-T. GRCh37 (hg19) VCF-style: chr3-12526197-C-T.
Other names: c.-200C>T (NM_001321279.2); c.-18+181C>T (NM_001321278.2, NM_001321277.2, NM_001145393.3 and 1 more transcripts); c.-18+70C>T (NM_001145392.2).
Identifiers: ClinVar variation 343061 (VCV000343061.5), dbSNP rs540294443, ClinGen allele CA10617068.